The following is an entry in ClinVar:

ClinVar aggregate classification (germline): Likely benign (0 of 4 stars; one submission).

Conditions:
ESPL1-related disorder. Also called: ESPL1-related condition.

Allele frequency attached by ClinVar (database versions not stated): gnomAD exomes below 0.00001; ExAC 0.00002.
gnomAD v4.1: 3 of 1,613,204 alleles (0.00019%); highest among the groups gnomAD compares: South Asian, 0.0011%; no homozygotes.

Submission:

PreventionGenetics, part of Exact Sciences
Classification: Likely benign for ESPL1-related condition. Last evaluated: 2019-03-25. Review status: no assertion criteria provided. Collection method: clinical testing. Allele origin: germline.
Comment: This variant is classified as likely benign based on ACMG/AMP sequence variant interpretation guidelines (Richards et al. 2015 PMID: 25741868, with internal and published modifications).

NM_012291.5(ESPL1):c.117C>T (p.Ser39=)

Gene: ESPL1 (extra spindle pole bodies like 1, separase; plus strand). Cytogenetic location: 12q13.13.
Variant type: single nucleotide variant.
Coding change: c.117C>T on transcript NM_012291.5 (MANE Select); coding-DNA position 117, C replaced by T.
Protein change: p.Ser39=; no amino-acid change (serine 39 retained).
Molecular consequence: synonymous variant.
Genome position (GRCh38, 1-based): chr12:53,269,059, C>T. VCF-style: chr12-53269059-C-T. GRCh37 (hg19) VCF-style: chr12-53662843-C-T.
Identifiers: ClinVar variation 3058575 (VCV003058575.2), dbSNP rs768270715, ClinGen allele CA6596841.